The following is an entry in ClinVar:

NM_001142800.2(EYS):c.8795C>A (p.Ser2932Ter)

Genes: EYS (EGF-like photoreceptor maintenance factor; minus strand), PHF3 (PHD finger protein 3; plus strand). Cytogenetic location: 6q12.
Variant type: single nucleotide variant.
Coding change: c.8795C>A on transcript NM_001142800.2 (MANE Select); coding-DNA position 8795, C replaced by A.
Protein change: p.Ser2932Ter; replaces serine 2932 with a stop codon.
Molecular consequence: nonsense. On other transcripts: 3 prime UTR variant (5).
Genome position (GRCh38, 1-based): chr6:63,721,236, G>T on the plus strand (C>A on the coding strand, the complement: EYS is on the minus strand). VCF-style: chr6-63721236-G-T. GRCh37 (hg19) VCF-style: chr6-64431132-G-T.
Other names: c.*7528G>T (NM_001290259.2, NM_001370348.2, NM_001370349.2 and 2 more transcripts); c.8858C>A, p.Ser2953Ter (NM_001292009.2); short protein forms S2932*, S2953*.
Identifiers: ClinVar variation 4814665 (VCV004814665.1).

ClinVar aggregate classification (germline): Likely pathogenic (1 of 4 stars; one submission).

Conditions:
Retinitis pigmentosa 25 (RP25). Identifiers: Orphanet 791, MedGen C1864446, MONDO:0011272, OMIM 602772.

Submission:

Natera, Inc.
Classification: Likely pathogenic for Retinitis pigmentosa type 25. Last evaluated: 2024-12-18. Review status: criteria provided, single submitter. Criteria: Natera Variant Classification Schema (03/2026). Collection method: clinical testing. Allele origin: germline.
Comment: The c.8795C>A variant in EYS is a nonsense variant predicted to introduce a stop codon at amino acid 2932. This variant is expected to result in nonsense mediated decay, truncation, or a dysfunctional protein product. This variant is rare in the general population with a frequency below the threshold expected for the associated phenotype(s). Given the available evidence, this variant is classified as Likely Pathogenic.